The following is an entry in ClinVar:

ClinVar aggregate classification (germline): Uncertain significance. Review status: criteria provided, multiple submitters, no conflicts (2 of 4 stars). 2 submissions from 2 submitters: Uncertain significance (2). Last evaluated 2025-04-19.

Conditions:
Hereditary cancer-predisposing syndrome. Also called: Neoplastic Syndromes, Hereditary; Tumor predisposition; Hereditary neoplastic syndrome; Hereditary Cancer Syndrome. Identifiers: Orphanet 140162, MedGen C0027672, MeSH D009386, MONDO:0015356.

Submissions (2):

Labcorp Genetics (formerly Invitae), Labcorp
Classification: Uncertain significance. Last evaluated: 2025-04-19. Review status: criteria provided, single submitter. Criteria: Invitae Variant Classification Sherloc (09022015). Collection method: clinical testing. Allele origin: germline.
Comment: This sequence change replaces aspartic acid, which is acidic and polar, with glutamic acid, which is acidic and polar, at codon 90 of the POLE protein (p.Asp90Glu). This variant is not present in population databases (gnomAD no frequency). This variant has not been reported in the literature in individuals affected with POLE-related conditions. ClinVar contains an entry for this variant (Variation ID: 663938). Invitae Evidence Modeling of protein sequence and biophysical properties (such as structural, functional, and spatial information, amino acid conservation, physicochemical variation, residue mobility, and thermodynamic stability) indicates that this missense variant is not expected to disrupt POLE protein function with a negative predictive value of 80%. In summary, the available evidence is currently insufficient to determine the role of this variant in disease. Therefore, it has been classified as a Variant of Uncertain Significance.

Ambry Genetics
Classification: Uncertain significance for Hereditary cancer-predisposing syndrome. Last evaluated: 2024-05-07. Review status: criteria provided, single submitter. Criteria: Ambry Variant Classification Scheme 2023. Collection method: clinical testing. Allele origin: germline.
Comment: The p.D90E variant (also known as c.270C>G), located in coding exon 3 of the POLE gene, results from a C to G substitution at nucleotide position 270. The aspartic acid at codon 90 is replaced by glutamic acid, an amino acid with highly similar properties. This amino acid position is conserved. In addition, this alteration is predicted to be tolerated by in silico analysis. Based on the available evidence, the clinical significance of this variant remains unclear.

NM_006231.4(POLE):c.270C>G (p.Asp90Glu)

Gene: POLE (DNA polymerase epsilon, catalytic subunit; minus strand). Cytogenetic location: 12q24.33.
Variant type: single nucleotide variant.
Coding change: c.270C>G on transcript NM_006231.4 (MANE Select); coding-DNA position 270, C replaced by G.
Protein change: p.Asp90Glu; replaces aspartic acid 90 with glutamic acid.
Molecular consequence: missense variant.
Genome position (GRCh38, 1-based): chr12:132,680,622, G>C on the plus strand (C>G on the coding strand, the complement: POLE is on the minus strand). VCF-style: chr12-132680622-G-C. GRCh37 (hg19) VCF-style: chr12-133257208-G-C.
Other names: c.270C>G (NM_006231.2); short protein forms D90E.
Identifiers: ClinVar variation 663938 (VCV000663938.9), dbSNP rs751104931, ClinGen allele CA387369084.